The following is an entry in ClinVar:

NM_025193.4(HSD3B7):c.929G>A (p.Arg310Gln)

Gene: HSD3B7 (hydroxy-delta-5-steroid dehydrogenase, 3 beta- and steroid delta-isomerase 7; plus strand). Cytogenetic location: 16p11.2.
Variant type: single nucleotide variant.
Coding change: c.929G>A on transcript NM_025193.4 (MANE Select); coding-DNA position 929, G replaced by A.
Protein change: p.Arg310Gln; replaces arginine 310 with glutamine.
Molecular consequence: missense variant. On other transcripts: 3 prime UTR variant (2).
Genome position (GRCh38, 1-based): chr16:30,988,002, G>A. VCF-style: chr16-30988002-G-A. GRCh37 (hg19) VCF-style: chr16-30999323-G-A.
Other names: c.*175G>A (NM_001142777.2, NM_001142778.2); short protein forms R310Q.
Identifiers: ClinVar variation 4987532 (VCV004987532.1).

ClinVar aggregate classification (germline): Uncertain significance (1 of 4 stars; one submission).

Conditions:
HSD3B7-related disorder. Also called: HSD3B7-related condition.

Submission:

PreventionGenetics, part of Exact Sciences
Classification: Uncertain significance for HSD3B7-related condition. Last evaluated: 2025-01-15. Review status: criteria provided, single submitter. Criteria: ACMG Guidelines, 2015. Collection method: clinical testing. Allele origin: germline.
Comment: The HSD3B7 c.929G>A variant is predicted to result in the amino acid substitution p.Arg310Gln. To our knowledge, this variant has not been reported in the literature. This variant is reported in 0.0018% of alleles in individuals of European (Non-Finnish) descent in gnomAD. At this time, the clinical significance of this variant is uncertain due to the absence of conclusive functional and genetic evidence.